The following is an entry in ClinVar:

ClinVar aggregate classification (germline): Uncertain significance (1 of 4 stars; one submission).

Allele frequency attached by ClinVar (database versions not stated): gnomAD exomes below 0.00001; TOPMed below 0.00001.
gnomAD v4.1: 2 of 1,614,166 alleles (0.00012%); highest among the groups gnomAD compares: Non-Finnish European, 0.00017%; no homozygotes.

Submission:

Labcorp Genetics (formerly Invitae), Labcorp
Classification: Uncertain significance. Last evaluated: 2023-10-19. Review status: criteria provided, single submitter. Criteria: Invitae Variant Classification Sherloc (09022015). Collection method: clinical testing. Allele origin: germline.
Comment: This sequence change replaces arginine, which is basic and polar, with glycine, which is neutral and non-polar, at codon 530 of the SETBP1 protein (p.Arg530Gly). This variant is not present in population databases (gnomAD no frequency). This variant has not been reported in the literature in individuals affected with SETBP1-related conditions. Advanced modeling of protein sequence and biophysical properties (such as structural, functional, and spatial information, amino acid conservation, physicochemical variation, residue mobility, and thermodynamic stability) performed at Invitae indicates that this missense variant is not expected to disrupt SETBP1 protein function. In summary, the available evidence is currently insufficient to determine the role of this variant in disease. Therefore, it has been classified as a Variant of Uncertain Significance.

NM_015559.3(SETBP1):c.1588C>G (p.Arg530Gly)

Gene: SETBP1 (SET binding protein 1; plus strand). Cytogenetic location: 18q12.3.
Variant type: single nucleotide variant.
Coding change: c.1588C>G on transcript NM_015559.3 (MANE Select); coding-DNA position 1588, C replaced by G.
Protein change: p.Arg530Gly; replaces arginine 530 with glycine.
Molecular consequence: missense variant.
Genome position (GRCh38, 1-based): chr18:44,950,928, C>G. VCF-style: chr18-44950928-C-G. GRCh37 (hg19) VCF-style: chr18-42530893-C-G.
Other names: c.1588C>G, p.Arg530Gly (NM_001379141.1, NM_001379142.1, NM_001410862.1); short protein forms R530G.
Identifiers: ClinVar variation 2767395 (VCV002767395.3), dbSNP rs2071332541, ClinGen allele CA402318844.